The following is an entry in ClinVar:

ClinVar aggregate classification (germline): Likely benign. Review status: criteria provided, multiple submitters, no conflicts (2 of 4 stars). 5 submissions from 5 submitters: Likely benign (4). 1 of the submissions does not count toward it. Last evaluated 2025-12-20.

Conditions:
BCS1L-related disorder. Also called: BCS1L-related condition; BCS1L-related disorders. Identifiers: MedGen CN239240.
Mitochondrial complex III deficiency nuclear type 1. Identifiers: Orphanet 254902, MedGen C3541471, MONDO:0007415, OMIM 124000.
GRACILE syndrome (FLNMS). Also called: FELLMAN SYNDROME; FINNISH LETHAL NEONATAL METABOLIC SYNDROME. Identifiers: Orphanet 53693, MedGen C1864002, MONDO:0011308, OMIM 603358.
Pili torti-deafness syndrome (BJS). Also called: Bjornstad syndrome; PILI TORTI AND NERVE DEAFNESS. Identifiers: Orphanet 123, MedGen C0266006, MONDO:0009872, OMIM 262000.

Allele frequency attached by ClinVar (database versions not stated): TOPMed 0.00003; gnomAD 0.00004 and 0.00017; ESP Exome Variant Server 0.00008; ExAC 0.00019; gnomAD exomes 0.00021; 1000 Genomes Project 30x 0.00031; 1000 Genomes Project 0.00040.

Submissions (5):

Labcorp Genetics (formerly Invitae), Labcorp
Classification: Likely benign. Last evaluated: 2025-12-20. Review status: criteria provided, single submitter. Criteria: Invitae Variant Classification Sherloc (09022015). Collection method: clinical testing. Allele origin: germline.

PreventionGenetics, part of Exact Sciences
Classification: Likely benign for BCS1L-related condition. Last evaluated: 2025-11-10. Review status: criteria provided, single submitter. Criteria: ACMG Guidelines, 2015. Collection method: clinical testing. Allele origin: germline.
Comment: This variant is classified as likely benign based on ACMG/AMP sequence variant interpretation guidelines (Richards et al. 2015 PMID: 25741868, with internal and published modifications).

Blueprint Genetics
Classification: Likely benign. Last evaluated: 2024-06-03. Review status: criteria provided, single submitter. Criteria: ACMG Guidelines, 2015. Collection method: clinical testing. Allele origin: germline.

Fulgent Genetics
Classification: Likely benign for Mitochondrial complex III deficiency nuclear type 1; Pili torti-deafness syndrome; GRACILE syndrome. Last evaluated: 2021-07-29. Review status: criteria provided, single submitter. Criteria: ACMG Guidelines, 2015. Collection method: clinical testing. Allele origin: unknown.

Natera, Inc.
Classification: Uncertain significance for GRACILE syndrome. Last evaluated: 2020-01-17. Review status: no assertion criteria provided. Collection method: clinical testing. Allele origin: germline. Not counted in ClinVar's aggregate classification.

NM_001079866.2(BCS1L):c.627C>T (p.Ile209=)

Gene: BCS1L (BCS1 ubiquinol-cytochrome c reductase complex chaperone; plus strand). Cytogenetic location: 2q35.
Variant type: single nucleotide variant.
Coding change: c.627C>T on transcript NM_001079866.2 (MANE Select); coding-DNA position 627, C replaced by T.
Protein change: p.Ile209=; no amino-acid change (isoleucine 209 retained).
Molecular consequence: synonymous variant. On other transcripts: non-coding transcript variant (1).
Genome position (GRCh38, 1-based): chr2:218,661,925, C>T. VCF-style: chr2-218661925-C-T. GRCh37 (hg19) VCF-style: chr2-219526648-C-T.
Other names: c.627C>T, p.Ile209= (NM_001257342.2, NM_001257343.2, NM_001257344.2 and 10 more transcripts); c.267C>T, p.Ile89= (NM_001318836.2, NM_001371451.1); c.126C>T, p.Ile42= (NM_001371452.1, NM_001371453.1, NM_001371454.1 and 3 more transcripts).
Identifiers: ClinVar variation 763606 (VCV000763606.15), dbSNP rs374582626, ClinGen allele CA2109706.
Genomic context (GRCh38, chr2:218,661,925, plus strand): 5'-TTCTGTGGTTCTACAACAGGGTCTGGCTGACCGAATTGTCAGAGACGTCCAGGAATTCAT[C>T]GATAACCCCAAGTGGTACACTGACAGAGGTGAGAAGCAGCTGGGGTCTTGGCTGTGCTGT-3'
Protein context (NP_001073335.1, residues 199-219): DRIVRDVQEF[Ile209=]DNPKWYTDRG